The following is an entry in ClinVar:

ClinVar aggregate classification (germline): Uncertain significance (1 of 4 stars; one submission).

gnomAD v4.1: 1 of 1,609,618 alleles (0.000062%); highest among the groups gnomAD compares: Non-Finnish European, 0.000085%; no homozygotes.

Submission:

CeGaT Center for Human Genetics Tuebingen
Classification: Uncertain significance. Last evaluated: 2026-02-01. Review status: criteria provided, single submitter. Criteria: CeGaT Center For Human Genetics Tuebingen Variant Classification Criteria Version 2. Collection method: clinical testing. Allele origin: germline. Affected: yes. Observed: 2 variant alleles.
Comment: PCLO: PM2, BP4

NM_033026.6(PCLO):c.10453C>T (p.Pro3485Ser)

Gene: PCLO (piccolo presynaptic cytomatrix protein; minus strand). Cytogenetic location: 7q21.11.
Variant type: single nucleotide variant.
Coding change: c.10453C>T on transcript NM_033026.6 (MANE Select); coding-DNA position 10453, C replaced by T.
Protein change: p.Pro3485Ser; replaces proline 3485 with serine.
Molecular consequence: missense variant.
Genome position (GRCh38, 1-based): chr7:82,950,135, G>A on the plus strand (C>T on the coding strand, the complement: PCLO is on the minus strand). VCF-style: chr7-82950135-G-A. GRCh37 (hg19) VCF-style: chr7-82579451-G-A.
Other names: c.10453C>T, p.Pro3485Ser (NM_014510.3); short protein forms P3485S.
Identifiers: ClinVar variation 4822613 (VCV004822613.4).
Genomic context (GRCh38, chr7:82,950,135, plus strand): 5'-CAGCCTCTGTCATGCTGTCACCATATTTCCCTACACGAGCTTTCCTCCTTGATCTAGTAG[G>A]CATATCCCACTCATCCTGATCTTCATCATCAGTTTGGACGCTTGTATCCACACTCTTTTT-3'
Protein context (NP_149015.2, residues 3475-3495): DDEDQDEWDM[Pro3485Ser]TRSRRKARVG